The following is an entry in ClinVar:

ClinVar aggregate classification (germline): Uncertain significance. Review status: criteria provided, multiple submitters, no conflicts (2 of 4 stars). 2 submissions from 2 submitters: Uncertain significance (2). Last evaluated 2022-12-19.

Conditions:
Hereditary cancer-predisposing syndrome. Also called: Hereditary neoplastic syndrome; Neoplastic Syndromes, Hereditary; Hereditary Cancer Syndrome; Tumor predisposition. Identifiers: Orphanet 140162, MedGen C0027672, MeSH D009386, MONDO:0015356.
Haddad syndrome (OHD). Also called: Ondine-Hirschsprung disease. Identifiers: Orphanet 99803, MedGen C1859049, MONDO:0020493.

Submissions (2):

Ambry Genetics
Classification: Uncertain significance for Hereditary cancer-predisposing syndrome. Last evaluated: 2022-12-19. Review status: criteria provided, single submitter. Criteria: Ambry Variant Classification Scheme 2023. Collection method: clinical testing. Allele origin: germline.
Comment: The c.486_497dup12 variant (also known as p.A164_A167dup), located in coding exon 3 of the PHOX2B gene, results from an in-frame duplication of 12 nucleotides at nucleotide positions 486 to 497. This results in the duplication of 4 extra residues (AAAA) between codons 164 and 167. This amino acid region is well conserved in available vertebrate species. In addition, this alteration is predicted to be neutral by in silico analysis (Choi Y et al. PLoS ONE. 2012; 7(10):e46688). Since supporting evidence is limited at this time, the clinical significance of this alteration remains unclear.

Labcorp Genetics (formerly Invitae), Labcorp
Classification: Uncertain significance for Haddad syndrome. Last evaluated: 2021-04-14. Review status: criteria provided, single submitter. Criteria: Invitae Variant Classification Sherloc (09022015). Collection method: clinical testing. Allele origin: germline.
Comment: This variant, c.486_497dup, results in the insertion of 4 amino acid(s) to the PHOX2B protein (p.Ala164_Ala167dup), but otherwise preserves the integrity of the reading frame. This variant is not present in population databases (ExAC no frequency). This variant has not been reported in the literature in individuals with PHOX2B-related conditions. Experimental studies and prediction algorithms are not available or were not evaluated, and the functional significance of this variant is currently unknown. In summary, the available evidence is currently insufficient to determine the role of this variant in disease. Therefore, it has been classified as a Variant of Uncertain Significance.

NM_003924.4(PHOX2B):c.486_497dup (p.Ala164_Ala167dup)

Gene: PHOX2B (paired like homeobox 2B; minus strand). Cytogenetic location: 4p13.
Variant type: Duplication.
Coding change: c.486_497dup on transcript NM_003924.4 (MANE Select); coding-DNA positions 486 to 497, 12 bases duplicated (CGCAGCGGCCGC).
Protein change: p.Ala164_Ala167dup.
Molecular consequence: inframe insertion.
Genome position (GRCh38, 1-based): chr4:41,746,255-41,746,266, GCGGCCGCTGCG duplicated on the plus strand (CGCAGCGGCCGC on the coding strand, the reverse complement: PHOX2B is on the minus strand); duplicating any 12 consecutive bases within chr4:41,746,255-41,746,268 gives the same sequence; the c. name uses the placement nearest the transcript's 3' end. VCF-style (leftmost placement, unchanged base first): chr4-41746254-C-CGCGGCCGCTGCG. GRCh37 (hg19) VCF-style: chr4-41748271-C-CGCGGCCGCTGCG.
Other names: c.486_497dupCGCAGCGGCCGC (NM_003924.3).
Identifiers: ClinVar variation 1484316 (VCV001484316.9), dbSNP rs1733897154, ClinGen allele CA2497074312.